The following is an entry in ClinVar:

ClinVar aggregate classification (germline): Uncertain significance. Review status: criteria provided, multiple submitters, no conflicts (2 of 4 stars). 4 submissions from 4 submitters: Uncertain significance (4). Last evaluated 2025-11-28.

Conditions:
Multiple endocrine neoplasia, type 2 (MEN2). Identifiers: Orphanet 653, MedGen C4048306, MONDO:0019003. Disease mechanism: gain of function.
Hereditary cancer-predisposing syndrome. Also called: Neoplastic Syndromes, Hereditary; Hereditary Cancer Syndrome; Hereditary neoplastic syndrome; Tumor predisposition. Identifiers: Orphanet 140162, MedGen C0027672, MeSH D009386, MONDO:0015356.

Allele frequency attached by ClinVar (database versions not stated): gnomAD exomes below 0.00001; TOPMed below 0.00001; gnomAD 0.00001.
gnomAD v4.1: 4 of 1,608,920 alleles (0.00025%); highest among the groups gnomAD compares: Non-Finnish European, 0.00034%; no homozygotes.

Submissions (4):

Ambry Genetics
Classification: Uncertain significance for Hereditary cancer-predisposing syndrome. Last evaluated: 2025-11-28. Review status: criteria provided, single submitter. Criteria: Ambry Variant Classification Scheme 2023. Collection method: clinical testing. Allele origin: germline.
Comment: The p.K808E variant (also known as c.2422A>G), located in coding exon 14 of the RET gene, results from an A to G substitution at nucleotide position 2422. The lysine at codon 808 is replaced by glutamic acid, an amino acid with similar properties. This amino acid position is highly conserved in available vertebrate species. In addition, this alteration is predicted to be deleterious by in silico analysis. Since supporting evidence is limited at this time, the clinical significance of this alteration remains unclear.

Labcorp Genetics (formerly Invitae), Labcorp
Classification: Uncertain significance for Multiple endocrine neoplasia, type 2. Last evaluated: 2025-10-30. Review status: criteria provided, single submitter. Criteria: Invitae Variant Classification Sherloc (09022015). Collection method: clinical testing. Allele origin: germline.
Comment: This sequence change replaces lysine, which is basic and polar, with glutamic acid, which is acidic and polar, at codon 808 of the RET protein (p.Lys808Glu). This variant is not present in population databases (gnomAD no frequency). This variant has not been reported in the literature in individuals affected with RET-related conditions. ClinVar contains an entry for this variant (Variation ID: 477350). An algorithm developed to predict the effect of missense changes on protein structure and function (PolyPhen-2) suggests that this variant is likely to be tolerated. In summary, the available evidence is currently insufficient to determine the role of this variant in disease. Therefore, it has been classified as a Variant of Uncertain Significance.

Color Diagnostics, LLC DBA Color Health
Classification: Uncertain significance for Multiple endocrine neoplasia, type 2. Last evaluated: 2023-05-11. Review status: criteria provided, single submitter. Criteria: ACMG Guidelines, 2015. Collection method: clinical testing. Allele origin: germline.
Comment: This missense variant replaces lysine with glutamic acid at codon 808 of the RET protein. Computational prediction is inconclusive regarding the impact of this variant on protein structure and function (internally defined REVEL score threshold 0.5 < inconclusive < 0.7, PMID: 27666373). To our knowledge, functional studies have not been reported for this variant. This variant has been reported in an individual affected with medullary thyroid cancer (DOI: 10.1007/s00423-013-1109-y). This variant has not been identified in the general population by the Genome Aggregation Database (gnomAD). The available evidence is insufficient to determine the role of this variant in disease conclusively. Therefore, this variant is classified as a Variant of Uncertain Significance.

All of Us Research Program, National Institutes of Health
Classification: Uncertain significance for Multiple endocrine neoplasia, type 2. Last evaluated: 2023-02-24. Review status: criteria provided, single submitter. Criteria: ACMG Guidelines, 2015. Collection method: clinical testing. Allele origin: germline. Inheritance: Autosomal dominant inheritance. Observed: 1 variant allele, 1 heterozygote.
Comment: This missense variant replaces lysine with glutamic acid at codon 808 of the RET protein. Computational prediction is inconclusive regarding the impact of this variant on protein structure and function (internally defined REVEL score threshold 0.5 < inconclusive < 0.7, PMID: 27666373). To our knowledge, functional studies have not been reported for this variant. This variant has been reported in an individual affected with medullary thyroid cancer (DOI: 10.1007/s00423-013-1109-y). This variant has not been identified in the general population by the Genome Aggregation Database (gnomAD). The available evidence is insufficient to determine the role of this variant in disease conclusively. Therefore, this variant is classified as a Variant of Uncertain Significance.

This study involves interpretation of variants in research participants for the purpose of population health screening. Participant phenotype was not available at the time of variant classification. Additional details can be found in publication PMID: 35346344, PMCID: PMC8962531

Literature cited by the submitters: PubMed 21606412 (cited by Ambry Genetics).

NM_020975.6(RET):c.2422A>G (p.Lys808Glu)

Gene: RET (ret proto-oncogene; plus strand). Cytogenetic location: 10q11.21.
Variant type: single nucleotide variant.
Coding change: c.2422A>G on transcript NM_020975.6 (MANE Select); coding-DNA position 2422, A replaced by G.
Protein change: p.Lys808Glu; replaces lysine 808 with glutamic acid.
Molecular consequence: missense variant.
Genome position (GRCh38, 1-based): chr10:43,119,560, A>G. VCF-style: chr10-43119560-A-G. GRCh37 (hg19) VCF-style: chr10-43615008-A-G.
Other names: c.2422A>G, p.Lys808Glu (NM_000323.2, NM_001406743.1, NM_001406744.1 and 4 more transcripts); c.1660A>G, p.Lys554Glu (NM_001355216.2); c.2293A>G, p.Lys765Glu (NM_001406761.1, NM_001406762.1, NM_001406764.1); c.2287A>G, p.Lys763Glu (NM_001406763.1, NM_001406765.1); c.2134A>G, p.Lys712Glu (NM_001406766.1, NM_001406767.1, NM_001406770.1); c.2158A>G, p.Lys720Glu (NM_001406768.1); c.2026A>G, p.Lys676Glu (NM_001406769.1, NM_001406772.1); c.1984A>G, p.Lys662Glu (NM_001406771.1, NM_001406773.1); and 10 more; short protein forms K808E, K554E, K373E, K464E, K325E, K466E, K765E, K413E.
Identifiers: ClinVar variation 477350 (VCV000477350.20), dbSNP rs1372786615, ClinGen allele CA376556094.